The following is an entry in ClinVar:

NM_001349884.2(DRAM2):c.152C>T (p.Pro51Leu)

Gene: DRAM2 (DNA damage regulated autophagy modulator 2; minus strand). Cytogenetic location: 1p13.3.
Variant type: single nucleotide variant.
Coding change: c.152C>T on transcript NM_001349884.2 (MANE Select); coding-DNA position 152, C replaced by T.
Protein change: p.Pro51Leu; replaces proline 51 with leucine.
Molecular consequence: missense variant. On other transcripts: 5 prime UTR variant (8), non-coding transcript variant (8).
Genome position (GRCh38, 1-based): chr1:111,126,274, G>A on the plus strand (C>T on the coding strand, the complement: DRAM2 is on the minus strand). VCF-style: chr1-111126274-G-A. GRCh37 (hg19) VCF-style: chr1-111668896-G-A.
Other names: c.152C>T, p.Pro51Leu (NM_001349881.2, NM_001349882.2, NM_001349885.2 and 1 more transcripts); c.-7C>T (NM_001349886.2, NM_001349887.2, NM_001349888.2); c.-99C>T (NM_001349889.2, NM_001349890.2, NM_001349892.2 and 1 more transcripts); c.-267C>T (NM_001349891.2); short protein forms P51L.
Identifiers: ClinVar variation 1440979 (VCV001440979.7), dbSNP rs1192109674, ClinGen allele CA341819545.
Genomic context (GRCh38, chr1:111,126,274, plus strand): 5'-TTTCATTACTTACATAAAACTGCCGCAATATTTAGCATTGCCCCAAATAAGCATTTTTCT[G>A]GAGCTACTGTACCAGTGTCACTGAAAGAAAAAAAGGAAGGTATGTGGATTTCTCATACTA-3'
Protein context (NP_001336813.1, residues 41-61): PYISDTGTVA[Pro51Leu]EKCLFGAMLN

ClinVar aggregate classification (germline): Uncertain significance. Review status: criteria provided, multiple submitters, no conflicts (2 of 4 stars). 2 submissions from 2 submitters: Uncertain significance (2). Last evaluated 2021-08-18.

Allele frequency attached by ClinVar (database versions not stated): gnomAD exomes below 0.00001; TOPMed below 0.00001; gnomAD 0.00001.

Submissions (2):

Labcorp Genetics (formerly Invitae), Labcorp
Classification: Uncertain significance. Last evaluated: 2021-08-18. Review status: criteria provided, single submitter. Criteria: Invitae Variant Classification Sherloc (09022015). Collection method: clinical testing. Allele origin: germline.
Comment: This sequence change replaces proline with leucine at codon 51 of the DRAM2 protein (p.Pro51Leu). The proline residue is highly conserved and there is a moderate physicochemical difference between proline and leucine. This variant is not present in population databases (ExAC no frequency). This variant has not been reported in the literature in individuals affected with DRAM2-related conditions. Algorithms developed to predict the effect of missense changes on protein structure and function (SIFT, PolyPhen-2, Align-GVGD) all suggest that this variant is likely to be disruptive. In summary, the available evidence is currently insufficient to determine the role of this variant in disease. Therefore, it has been classified as a Variant of Uncertain Significance.

Blueprint Genetics
Classification: Uncertain significance. Last evaluated: 2018-05-28. Review status: criteria provided, single submitter. Criteria: ACMG Guidelines, 2015. Collection method: clinical testing. Allele origin: germline.